The following is an entry in ClinVar:

NM_000384.3(APOB):c.13655T>G (p.Met4552Arg)

Genes: APOB3'MAR (APOB 3' scaffold/matrix attachment region; plus strand), APOB (apolipoprotein B; minus strand). Cytogenetic location: 2p24.1.
Variant type: single nucleotide variant.
Coding change: c.13655T>G on transcript NM_000384.3 (MANE Select); coding-DNA position 13655, T replaced by G.
Protein change: p.Met4552Arg; replaces methionine 4552 with arginine.
Molecular consequence: missense variant.
Genome position (GRCh38, 1-based): chr2:21,001,767, A>C on the plus strand (T>G on the coding strand, the complement: APOB is on the minus strand). VCF-style: chr2-21001767-A-C. GRCh37 (hg19) VCF-style: chr2-21224639-A-C.
Other names: short protein forms M4552R.
Identifiers: ClinVar variation 4842880 (VCV004842880.1).
Genomic context (GRCh38, chr2:21,001,767, plus strand): 5'-AAATGAAGATTTCTTTTAAAAAATTAGAGGATGATAGTAAGTTCTCCTGGAGCAAGCTTC[A>C]TGTAGGGGTTCATGACTGTGGTTGATTGCAGCTTTTTCAGTAACTCCGTGATGTATATCA-3'
Protein context (NP_000375.3, residues 4542-4562): LQSTTVMNPY[Met4552Arg]KLAPGELTII

ClinVar aggregate classification (germline): Uncertain significance (1 of 4 stars; one submission).

Conditions:
Cardiovascular phenotype. Identifiers: MedGen CN230736.

Submission:

Ambry Genetics
Classification: Uncertain significance for Cardiovascular phenotype. Last evaluated: 2025-12-16. Review status: criteria provided, single submitter. Criteria: Ambry Variant Classification Scheme 2023. Collection method: clinical testing. Allele origin: germline.
Comment: The p.M4552R variant (also known as c.13655T>G), located in coding exon 29 of the APOB gene, results from a T to G substitution at nucleotide position 13655. The methionine at codon 4552 is replaced by arginine, an amino acid with similar properties. This amino acid position is conserved. In addition, this alteration is predicted to be tolerated by in silico analysis. Based on the available evidence, the clinical significance of this variant remains unclear.